The following is an entry in ClinVar:

ClinVar aggregate classification (germline): Conflicting classifications of pathogenicity. Review status: criteria provided, conflicting classifications (1 of 4 stars). 10 submissions from 10 submitters: Pathogenic (3); Likely pathogenic (5); Uncertain significance (1). 1 of the submissions does not count toward it. Last evaluated 2026-01-28.

Conditions:
IVD-related disorder. Also called: IVD-related condition.
Inborn genetic diseases. Identifiers: MedGen C0950123, MeSH D030342.
Isovaleryl-CoA dehydrogenase deficiency (IVA). Also called: Isovaleric acidemia; ISOVALERIC ACID CoA DEHYDROGENASE DEFICIENCY; Classic Isovaleric Acidemia; IVD DEFICIENCY. Identifiers: Orphanet 33, MedGen C0268575, MONDO:0009475, OMIM 243500.

Allele frequency attached by ClinVar (database versions not stated): gnomAD exomes 0.00001; ExAC 0.00002; gnomAD 0.00007; ESP Exome Variant Server 0.00008; 1000 Genomes Project 30x 0.00016; 1000 Genomes Project 0.00020; TOPMed 0.00020.

Submissions (10):

Labcorp Genetics (formerly Invitae), Labcorp
Classification: Pathogenic for Isovaleryl-CoA dehydrogenase deficiency. Last evaluated: 2026-01-28. Review status: criteria provided, single submitter. Criteria: Invitae Variant Classification Sherloc (09022015). Collection method: clinical testing. Allele origin: germline.
Comment: This sequence change affects a donor splice site in intron 5 of the IVD gene. It is expected to disrupt RNA splicing. Variants that disrupt the donor or acceptor splice site typically lead to a loss of protein function (PMID: 16199547), and loss-of-function variants in IVD are known to be pathogenic (PMID: 16602101). This variant is present in population databases (rs377147994, gnomAD 0.007%). Disruption of this splice site has been observed in individual(s) with clinical features of isovaleric acidemia (internal data). In at least one individual the data is consistent with being in trans (on the opposite chromosome) from a pathogenic variant. ClinVar contains an entry for this variant (Variation ID: 372389). Algorithms developed to predict the effect of sequence changes on RNA splicing suggest that this variant may disrupt the consensus splice site. For these reasons, this variant has been classified as Pathogenic.

GeneDx
Classification: Pathogenic. Last evaluated: 2025-07-23. Review status: criteria provided, single submitter. Criteria: GeneDx Variant Classification Process June 2021. Collection method: clinical testing. Allele origin: germline. Affected: yes.
Comment: Observed in patient with inborn error of metabolism in published literature; however, no further clinical information was provided (PMID: 32778825); Canonical splice site variant predicted to result in a null allele in a gene for which loss of function is a known mechanism of disease; Not observed at significant frequency in large population cohorts (gnomAD); Also known as c.550+1 G>A; This variant is associated with the following publications: (PMID: 16602101, 16199547, 32778825)

Natera, Inc.
Classification: Likely pathogenic for Isovaleryl-coa dehydrogenase deficiency. Last evaluated: 2025-06-30. Review status: criteria provided, single submitter. Criteria: Natera Variant Classification Schema (03/2026). Collection method: clinical testing. Allele origin: germline.
Comment: The c.559+1G>A variant in IVD is a canonical splice donor site variant predicted to affect pre-mRNA splicing, which may result in an abnormal transcript and altered protein product. This variant is expected to result in nonsense mediated decay, truncation, or a dysfunctional protein product. This variant is rare in the general population with a frequency below the threshold expected for the associated phenotype(s). Given the available evidence, this variant is classified as Likely Pathogenic.

Women's Health and Genetics/Laboratory Corporation of America, LabCorp
Classification: Likely pathogenic for Isovaleryl-CoA dehydrogenase deficiency. Last evaluated: 2024-12-03. Review status: criteria provided, single submitter. Criteria: LabCorp Variant Classification Summary - May 2015. Collection method: clinical testing. Allele origin: germline.
Comment: Variant summary: IVD c.550+1G>A is located in a canonical splice-site and is predicted to affect mRNA splicing resulting in a significantly altered protein due to either exon skipping, shortening, or inclusion of intronic material. Variants that disrupt the consensus splice site are a relatively common cause of aberrant splicing and loss of IVD function. Several computational tools predict a significant impact on normal splicing: Four predict the variant abolishes a 5 splicing donor site. However, these predictions have yet to be confirmed by functional studies. To our knowledge c.550+1G>A has not been reported in the literature in individuals affected with Isovaleryl-CoA Dehydrogenase Deficiency and no experimental evidence demonstrating an impact on protein function has been reported. The following publication have been ascertained in the context of this evaluation (PMID: 32778825). ClinVar contains an entry for this variant (Variation ID: 372389). Based on the evidence outlined above, the variant was classified as likely pathogenic.

Fulgent Genetics
Classification: Likely pathogenic for Isovaleryl-CoA dehydrogenase deficiency. Last evaluated: 2024-05-30. Review status: criteria provided, single submitter. Criteria: ACMG Guidelines, 2015. Collection method: clinical testing. Allele origin: germline.

Baylor Genetics
Classification: Pathogenic for Isovaleryl-CoA dehydrogenase deficiency. Last evaluated: 2024-03-12. Review status: criteria provided, single submitter. Criteria: ACMG Guidelines, 2015. Collection method: clinical testing. Allele origin: unknown.

PreventionGenetics, part of Exact Sciences
Classification: Likely pathogenic for IVD-related condition. Last evaluated: 2022-11-29. Review status: criteria provided, single submitter. Criteria: ACMG Guidelines, 2015. Collection method: clinical testing. Allele origin: germline.
Comment: The IVD c.559+1G>A variant is predicted to disrupt the GT donor site and interfere with normal splicing. To our knowledge this variant has not been reported in the literature. This variant is reported in 0.0058% of alleles in individuals of Latino descent in gnomAD. Variants that disrupt the consensus splice donor site in IVD are expected to be pathogenic. This variant is interpreted as pathogenic.

Ambry Genetics
Classification: Uncertain significance for Inborn genetic diseases. Last evaluated: 2021-07-14. Review status: criteria provided, single submitter. Criteria: Ambry Variant Classification Scheme 2023. Collection method: clinical testing. Allele origin: germline.
Comment: The c.559+1G>A intronic alteration consists of a G to A substitution one nucleotide after exon 5 of the IVD gene. Alterations that disrupt the canonical splice donor site are typically deleterious in nature (Richards, 2015). Based on insufficient or conflicting evidence, the clinical significance of this alteration remains unclear.

New York Genome Center
Classification: Likely pathogenic for Isovaleryl-CoA dehydrogenase deficiency. Last evaluated: 2020-05-26. Review status: criteria provided, single submitter. Criteria: NYGC Assertion Criteria 2020. Collection method: clinical testing. Allele origin: germline. Inheritance: Autosomal recessive inheritance. Observed: 1 heterozygote. Study: CSER-NYCKidSeq.

Counsyl
Classification: Likely pathogenic for Isovaleryl-CoA dehydrogenase deficiency. Last evaluated: 2014-01-02. Review status: no assertion criteria provided. Collection method: clinical testing. Allele origin: unknown. Not counted in ClinVar's aggregate classification.

Literature cited by the submitters: PubMed 16199547 (cited by Labcorp Genetics (formerly Invitae), Labcorp); PubMed 16602101 (cited by Labcorp Genetics (formerly Invitae), Labcorp); PubMed 32778825 (cited by Women's Health and Genetics/Laboratory Corporation of America, LabCorp).

NM_002225.5(IVD):c.550+1G>A

Gene: IVD (isovaleryl-CoA dehydrogenase; plus strand). Cytogenetic location: 15q15.1.
Variant type: single nucleotide variant.
Coding change: c.550+1G>A on transcript NM_002225.5 (MANE Select); the canonical splice donor site of the intron after coding-DNA position 550, G replaced by A.
Molecular consequence: splice donor variant.
Genome position (GRCh38, 1-based): chr15:40,411,354, G>A. VCF-style: chr15-40411354-G-A. GRCh37 (hg19) VCF-style: chr15-40703553-G-A.
Other names: c.637+1G>A (NM_001354600.3, NM_001354599.3); c.550+1G>A (NM_001354598.3, NM_001354601.3); c.502+1G>A (NM_001354597.3); c.460+1G>A (NM_001159508.3).
Identifiers: ClinVar variation 372389 (VCV000372389.25), dbSNP rs377147994, ClinGen allele CA7480666.